The following is an entry in ClinVar:

ClinVar aggregate classification (germline): Uncertain significance. Review status: criteria provided, multiple submitters, no conflicts (2 of 4 stars). 2 submissions from 2 submitters: Uncertain significance (2). Last evaluated 2022-11-14.

Conditions:
Fanconi anemia (FA). Also called: Fanconi's anemia. Identifiers: Orphanet 84, MedGen C0015625, MeSH D005199, MONDO:0019391.

Allele frequency attached by ClinVar (database versions not stated): gnomAD exomes below 0.00001.
gnomAD v4.1: 5 of 1,594,672 alleles (0.00031%); highest among the groups gnomAD compares: Non-Finnish European, 0.00043%; no homozygotes.

Submissions (2):

GeneDx
Classification: Uncertain significance. Last evaluated: 2022-11-14. Review status: criteria provided, single submitter. Criteria: GeneDx Variant Classification Process June 2021. Collection method: clinical testing. Allele origin: germline. Affected: yes.
Comment: Not observed at significant frequency in large population cohorts (gnomAD); In silico analysis supports that this missense variant does not alter protein structure/function; Has not been previously published as pathogenic or benign to our knowledge

Labcorp Genetics (formerly Invitae), Labcorp
Classification: Uncertain significance for Fanconi anemia. Last evaluated: 2020-12-04. Review status: criteria provided, single submitter. Criteria: Invitae Variant Classification Sherloc (09022015). Collection method: clinical testing. Allele origin: germline.
Comment: In summary, the available evidence is currently insufficient to determine the role of this variant in disease. Therefore, it has been classified as a Variant of Uncertain Significance. Algorithms developed to predict the effect of missense changes on protein structure and function output the following: SIFT: "Tolerated"; PolyPhen-2: "Benign"; Align-GVGD: "Class C0". The serine amino acid residue is found in multiple mammalian species, suggesting that this missense change does not adversely affect protein function. These predictions have not been confirmed by published functional studies and their clinical significance is uncertain. This variant has not been reported in the literature in individuals with FANCM-related conditions. This variant is not present in population databases (ExAC no frequency). This sequence change replaces asparagine with serine at codon 896 of the FANCM protein (p.Asn896Ser). The asparagine residue is weakly conserved and there is a small physicochemical difference between asparagine and serine.

NM_020937.4(FANCM):c.2687A>G (p.Asn896Ser)

Gene: FANCM (FA complementation group M; plus strand). Cytogenetic location: 14q21.2.
Variant type: single nucleotide variant.
Coding change: c.2687A>G on transcript NM_020937.4 (MANE Select); coding-DNA position 2687, A replaced by G.
Protein change: p.Asn896Ser; replaces asparagine 896 with serine.
Molecular consequence: missense variant.
Genome position (GRCh38, 1-based): chr14:45,175,441, A>G. VCF-style: chr14-45175441-A-G. GRCh37 (hg19) VCF-style: chr14-45644644-A-G.
Other names: c.2609A>G, p.Asn870Ser (NM_001308133.2); short protein forms N896S, N870S.
Identifiers: ClinVar variation 1356442 (VCV001356442.9), dbSNP rs2139243150, ClinGen allele CA389598402.